The following is an entry in ClinVar:

NM_001369369.1(FOXN1):c.35C>G (p.Thr12Arg)

Gene: FOXN1 (forkhead box N1; plus strand). Cytogenetic location: 17q11.2.
Variant type: single nucleotide variant.
Coding change: c.35C>G on transcript NM_001369369.1 (MANE Select); coding-DNA position 35, C replaced by G.
Protein change: p.Thr12Arg; replaces threonine 12 with arginine.
Molecular consequence: missense variant.
Genome position (GRCh38, 1-based): chr17:28,524,004, C>G. VCF-style: chr17-28524004-C-G. GRCh37 (hg19) VCF-style: chr17-26851022-C-G.
Other names: c.35C>G, p.Thr12Arg (NM_003593.3); short protein forms T12R.
Identifiers: ClinVar variation 3630525 (VCV003630525.2).
Genomic context (GRCh38, chr17:28,524,004, plus strand): 5'-GCTTTCTTTGAGGCCAGGACTGGGTGATGGTGTCGCTACCCCCGCCGCAGTCTGACGTCA[C>G]GCTGCCGGGCCCCACCAGACTGGAGGGCGAGCGCCAAGGGGACCTCATGCAGGCACCGGG-3'
Protein context (NP_001356298.1, residues 2-22): VSLPPPQSDV[Thr12Arg]LPGPTRLEGE

ClinVar aggregate classification (germline): Uncertain significance (1 of 4 stars; one submission).

Conditions:
T-cell immunodeficiency, congenital alopecia, and nail dystrophy. Also called: Congenital alopecia and nail dystrophy associated with severe functional T-cell immunodeficiency; Pignata Guarino syndrome. Identifiers: Orphanet 169095, MedGen C1866426, MONDO:0011132, OMIM 601705.

Submission:

Labcorp Genetics (formerly Invitae), Labcorp
Classification: Uncertain significance for T-cell immunodeficiency, congenital alopecia, and nail dystrophy. Last evaluated: 2024-11-11. Review status: criteria provided, single submitter. Criteria: Invitae Variant Classification Sherloc (09022015). Collection method: clinical testing. Allele origin: germline.
Comment: This sequence change replaces threonine, which is neutral and polar, with arginine, which is basic and polar, at codon 12 of the FOXN1 protein (p.Thr12Arg). This variant is not present in population databases (gnomAD no frequency). This variant has not been reported in the literature in individuals affected with FOXN1-related conditions. An algorithm developed to predict the effect of missense changes on protein structure and function (PolyPhen-2) suggests that this variant is likely to be tolerated. In summary, the available evidence is currently insufficient to determine the role of this variant in disease. Therefore, it has been classified as a Variant of Uncertain Significance.